The following is an entry in ClinVar:

NM_018941.4(CLN8):c.709G>A (p.Gly237Arg)

Gene: CLN8 (CLN8 transmembrane ER and ERGIC protein; plus strand). Cytogenetic location: 8p23.3.
Variant type: single nucleotide variant.
Coding change: c.709G>A on transcript NM_018941.4 (MANE Select); coding-DNA position 709, G replaced by A.
Protein change: p.Gly237Arg; replaces glycine 237 with arginine.
Molecular consequence: missense variant.
Genome position (GRCh38, 1-based): chr8:1,780,415, G>A. VCF-style: chr8-1780415-G-A. GRCh37 (hg19) VCF-style: chr8-1728581-G-A.
Other names: p.G237R:GGA>AGA; short protein forms G237R.
Identifiers: ClinVar variation 188917 (VCV000188917.16), dbSNP rs746645358, ClinGen allele CA274121.

ClinVar aggregate classification (germline): Pathogenic/Likely pathogenic. Review status: criteria provided, multiple submitters, no conflicts (2 of 4 stars). 8 submissions from 8 submitters: Pathogenic (3); Likely pathogenic (4). 1 of the submissions does not count toward it. Last evaluated 2025-05-05.

Conditions:
CLN8-related disorder. Also called: CLN8-related condition.
Neuronal ceroid lipofuscinosis. Also called: Neuronal Ceroid Lipofuscinoses. Identifiers: Orphanet 216, Orphanet 79263, MedGen C0027877, MONDO:0016295. Disease mechanism: loss of function.
Neuronal ceroid lipofuscinosis 8 (CLN8). Also called: CLN8-Related Neuronal Ceroid-Lipofuscinosis. Identifiers: Orphanet 168491, Orphanet 228354, Orphanet 79264, MedGen C1838570, MONDO:0010830, OMIM 600143.

Allele frequency attached by ClinVar (database versions not stated): gnomAD 0.00001; ExAC 0.00002; gnomAD exomes 0.00002; TOPMed 0.00002.
gnomAD v4.1: 37 of 1,614,040 alleles (0.0023%); highest among the groups gnomAD compares: Non-Finnish European, 0.0028%; no homozygotes.

Submissions (8):

Natera, Inc.
Classification: Likely pathogenic for Neuronal ceroid lipofuscinosis 8. Last evaluated: 2025-05-05. Review status: criteria provided, single submitter. Criteria: Natera Variant Classification Schema (03/2026). Collection method: clinical testing. Allele origin: germline.
Comment: The c.709G>A variant in CLN8 is a missense variant predicted to cause substitution of glycine to arginine at amino acid 237. This variant is rare in the general population with a frequency below the threshold expected for the associated phenotype(s). This variant has been observed in one or more individuals affected with the associated recessive disease, as either homozygous or compound heterozygous with a second variant (PMID: 19807737, 33358637, 16828266). Computational prediction algorithms indicate this variant is likely to affect gene or protein function. Given the available evidence, this variant is classified as Likely Pathogenic.

Labcorp Genetics (formerly Invitae), Labcorp
Classification: Likely pathogenic for Neuronal ceroid lipofuscinosis. Last evaluated: 2024-08-28. Review status: criteria provided, single submitter. Criteria: Invitae Variant Classification Sherloc (09022015). Collection method: clinical testing. Allele origin: germline.
Comment: This sequence change replaces glycine, which is neutral and non-polar, with arginine, which is basic and polar, at codon 237 of the CLN8 protein (p.Gly237Arg). This variant is present in population databases (rs746645358, gnomAD 0.007%). This missense change has been observed in individuals with neuronal ceroid lipofuscinosis (PMID: 19201763, 19807737, 21990111, 33358637). ClinVar contains an entry for this variant (Variation ID: 188917). Invitae Evidence Modeling of protein sequence and biophysical properties (such as structural, functional, and spatial information, amino acid conservation, physicochemical variation, residue mobility, and thermodynamic stability) indicates that this missense variant is expected to disrupt CLN8 protein function with a positive predictive value of 80%. In summary, the currently available evidence indicates that the variant is pathogenic, but additional data are needed to prove that conclusively. Therefore, this variant has been classified as Likely Pathogenic.

Genomic Medicine Center of Excellence, King Faisal Specialist Hospital and Research Centre
Classification: Pathogenic for Ceroid lipofuscinosis, neuronal, 8. Last evaluated: 2024-03-14. Review status: criteria provided, single submitter. Criteria: ACMG Guidelines, 2015. Collection method: clinical testing. Allele origin: germline.

Blueprint Genetics
Classification: Pathogenic for CLN8-related disorders. Last evaluated: 2023-04-18. Review status: criteria provided, single submitter. Criteria: ACMG Guidelines, 2015. Collection method: clinical testing. Allele origin: germline. Affected: yes. Observed: 3 variant alleles.

Women's Health and Genetics/Laboratory Corporation of America, LabCorp
Classification: Pathogenic for Neuronal ceroid lipofuscinosis 8. Last evaluated: 2023-03-07. Review status: criteria provided, single submitter. Criteria: LabCorp Variant Classification Summary - May 2015. Collection method: clinical testing. Allele origin: germline.
Comment: Variant summary: CLN8 c.709G>A (p.Gly237Arg) results in a non-conservative amino acid change located in the TRAM/LAG1/CLN8 homology domain (IPR006634) of the encoded protein sequence. Four of five in-silico tools predict a damaging effect of the variant on protein function. The variant allele was found at a frequency of 2e-05 in 251492 control chromosomes (gnomAD). c.709G>A has been reported in the literature in individuals affected with Neuronal Ceroid-Lipofuscinosis, CLN8-Related (Northern Epilepsy) (example, Siintola_2006, Kousi_2009, Kousi_2011, Reinhardt_2010 and Yldirm_2021). These data indicate that the variant is very likely to be associated with disease. To our knowledge, no experimental evidence demonstrating an impact on protein function has been reported. However, ultrastructural analysis of lymphocytes from a homozygous patient have demonstrated curvilinear profiles and granular osmiophilic deposit like patterns of lysosomal storage material (example, Reinhardt_2010). Two clinical diagnostic laboratories have submitted clinical-significance assessments for this variant to ClinVar after 2014 and classified the variant as likely pathogenic. Based on the evidence outlined above, the variant was classified as pathogenic.

Revvity Omics, Revvity
Classification: Likely pathogenic. Last evaluated: 2019-08-29. Review status: criteria provided, single submitter. Criteria: ACMG Guidelines, 2015. Collection method: clinical testing. Allele origin: germline.

GeneDx
Classification: Likely pathogenic. Last evaluated: 2017-07-06. Review status: criteria provided, single submitter. Criteria: GeneDx Variant Classification (06012015). Collection method: clinical testing. Allele origin: germline. Affected: yes.
Comment: The Gly237Arg missense variant in the CLN8 gene has been previously reported as a homozygous variant in two individuals with a clinical phenotype suggestive of variant late infantile neuronal ceroid lipofuscinosis (vLINCL) (Reinhardt et al., 2010). Gly237Arg is a non-conservative amino acid substitution as a uncharged non-polar Glycine residue is replaced by a positively charged Arginine residue. In addition, Gly237Arg alters a conserved position in the fifth transmembrane domain of the CLN8 protein.

Counsyl
Classification: Likely pathogenic for Ceroid lipofuscinosis neuronal 8. Last evaluated: 2014-08-12. Review status: no assertion criteria provided. Collection method: literature only. Allele origin: unknown. Inheritance: Autosomal recessive inheritance. Not counted in ClinVar's aggregate classification.

Literature cited by the submitters: PubMed 19807737 (cited by 4 submitters); PubMed 33358637 (cited by 3 submitters); PubMed 16828266 (cited by 3 submitters); PubMed 19201763 (cited by 3 submitters); PubMed 21990111 (cited by 3 submitters); PubMed 30919163 (cited by Women's Health and Genetics/Laboratory Corporation of America, LabCorp).